The following is an entry in ClinVar:

NM_016151.4(TAOK2):c.3007T>C (p.Tyr1003His)

Gene: TAOK2 (TAO kinase 2; plus strand). Cytogenetic location: 16p11.2.
Variant type: single nucleotide variant.
Coding change: c.3007T>C on transcript NM_016151.4 (MANE Select); coding-DNA position 3007, T replaced by C.
Protein change: p.Tyr1003His; replaces tyrosine 1003 with histidine.
Molecular consequence: missense variant. On other transcripts: intron variant (1).
Genome position (GRCh38, 1-based): chr16:29,987,279, T>C. VCF-style: chr16-29987279-T-C. GRCh37 (hg19) VCF-style: chr16-29998600-T-C.
Other names: c.2668T>C, p.Tyr890His (NM_001252043.2); c.2232+775T>C (NM_004783.4); short protein forms Y1003H, Y890H.
Identifiers: ClinVar variation 2117068 (VCV002117068.4), dbSNP rs2543669059, ClinGen allele CA395497789.

ClinVar aggregate classification (germline): Uncertain significance (1 of 4 stars; one submission).

Submission:

Labcorp Genetics (formerly Invitae), Labcorp
Classification: Uncertain significance. Last evaluated: 2022-03-26. Review status: criteria provided, single submitter. Criteria: Invitae Variant Classification Sherloc (09022015). Collection method: clinical testing. Allele origin: germline.
Comment: This sequence change replaces tyrosine, which is neutral and polar, with histidine, which is basic and polar, at codon 1003 of the TAOK2 protein (p.Tyr1003His). In summary, the available evidence is currently insufficient to determine the role of this variant in disease. Therefore, it has been classified as a Variant of Uncertain Significance. Algorithms developed to predict the effect of missense changes on protein structure and function are either unavailable or do not agree on the potential impact of this missense change (SIFT: "Tolerated"; PolyPhen-2: "Probably Damaging"; Align-GVGD: "Class C0"). This variant has not been reported in the literature in individuals affected with TAOK2-related conditions. This variant is not present in population databases (gnomAD no frequency).